The following is an entry in ClinVar:

NM_020975.6(RET):c.2801+9G>A

Genes: RET (ret proto-oncogene; plus strand), LOC130003710 (ATAC-STARR-seq lymphoblastoid active region 3286; plus strand). Cytogenetic location: 10q11.21.
Variant type: single nucleotide variant.
Coding change: c.2801+9G>A on transcript NM_020975.6 (MANE Select); 9 bases into the intron after coding-DNA position 2801, G replaced by A.
Molecular consequence: intron variant.
Genome position (GRCh38, 1-based): chr10:43,122,025, G>A. VCF-style: chr10-43122025-G-A. GRCh37 (hg19) VCF-style: chr10-43617473-G-A.
Other names: c.2666+9G>A (NM_001406763.1, NM_001406765.1); c.2405+9G>A (NM_001406772.1, NM_001406769.1); c.2363+9G>A (NM_001406773.1, NM_001406771.1); c.1904+9G>A (NM_001406782.1, NM_001406780.1, NM_001406779.1 and 1 more transcripts); c.1769+9G>A (NM_001406787.1); c.1784+9G>A (NM_001406785.1); c.2672+9G>A (NM_001406764.1, NM_001406762.1, NM_001406761.1); c.2537+9G>A (NM_001406768.1); and 10 more.
Identifiers: ClinVar variation 477355 (VCV000477355.15), dbSNP rs780912886, ClinGen allele CA041097.

ClinVar aggregate classification (germline): Conflicting classifications of pathogenicity. Review status: criteria provided, conflicting classifications (1 of 4 stars). 3 submissions from 3 submitters: Uncertain significance (1); Likely benign (2). Last evaluated 2025-11-10.

Conditions:
Multiple endocrine neoplasia type 2A. Also called: MULTIPLE ENDOCRINE NEOPLASIA, TYPE IIA; PTC SYNDROME; SIPPLE SYNDROME; MEN 2A; MEN-2A syndrome; Pheochromocytoma and amyloid producing medullary thyroid carcinoma. Identifiers: Orphanet 247698, Orphanet 653, MedGen C0025268, MeSH D018813, MONDO:0008234, OMIM 171400.
Multiple endocrine neoplasia, type 2 (MEN2). Identifiers: Orphanet 653, MedGen C4048306, MONDO:0019003. Disease mechanism: gain of function.

Allele frequency attached by ClinVar (database versions not stated): gnomAD exomes below 0.00001; ExAC 0.00001; gnomAD 0.00001; TOPMed 0.00002.
gnomAD v4.1: 3 of 1,610,560 alleles (0.00019%); highest among the groups gnomAD compares: African/African-American, 0.004%; no homozygotes.

Submissions (3):

Labcorp Genetics (formerly Invitae), Labcorp
Classification: Likely benign for Multiple endocrine neoplasia, type 2. Last evaluated: 2025-11-10. Review status: criteria provided, single submitter. Criteria: Invitae Variant Classification Sherloc (09022015). Collection method: clinical testing. Allele origin: germline.

Myriad Genetics, Inc.
Classification: Likely benign for Multiple endocrine neoplasia type 2A. Last evaluated: 2025-02-27. Review status: criteria provided, single submitter. Criteria: Myriad Autosomal Dominant, Autosomal Recessive and X-Linked Classification Criteria (2023). Collection method: clinical testing. Allele origin: unknown.
Comment: This variant is considered likely benign. This variant is intronic and is not expected to impact mRNA splicing.

St. Jude Molecular Pathology, St. Jude Children's Research Hospital
Classification: Uncertain significance for Multiple endocrine neoplasia, type 2. Last evaluated: 2021-08-19. Review status: criteria provided, single submitter. Criteria: St. Jude Assertion Criteria 2020. Collection method: clinical testing. Allele origin: germline.
Comment: The RET c.2801+9G>A intronic change results in a G to A substitution at the +9 position of intron 16. Algorithms that predict the impact of sequence changes on splicing indicate that this change may create or strengthen a splice site, but this prediction has not been confirmed by RNA studies. This variant has a maximum subpopulation frequency of 0.0080% in gnomAD v2.1.1. To our knowledge, this variant has not been reported in the literature in individuals with MEN2. In summary, this variant meets criteria to be classified as of uncertain significance based on the ACMG/AMP criteria: no criteria met.